The following is an entry in ClinVar:

NM_017780.4(CHD7):c.8984A>G (p.Asn2995Ser)

Gene: CHD7 (chromodomain helicase DNA binding protein 7; plus strand). Cytogenetic location: 8q12.2.
Variant type: single nucleotide variant.
Coding change: c.8984A>G on transcript NM_017780.4 (MANE Select); coding-DNA position 8984, A replaced by G.
Protein change: p.Asn2995Ser; replaces asparagine 2995 with serine.
Molecular consequence: missense variant.
Genome position (GRCh38, 1-based): chr8:60,865,923, A>G. VCF-style: chr8-60865923-A-G. GRCh37 (hg19) VCF-style: chr8-61778482-A-G.
Other names: c.2837A>G, p.Asn946Ser (NM_001316690.1); c.8984A>G (NM_017780.3); short protein forms N946S, N2995S.
Identifiers: ClinVar variation 2790628 (VCV002790628.4), dbSNP rs2488156300, ClinGen allele CA371313647.

ClinVar aggregate classification (germline): Uncertain significance. Review status: criteria provided, multiple submitters, no conflicts (2 of 4 stars). 2 submissions from 2 submitters: Uncertain significance (2). Last evaluated 2026-02-26.

Conditions:
Inborn genetic diseases. Identifiers: MedGen C0950123, MeSH D030342.
CHARGE syndrome (CHARGE). Also called: Hittner Hirsch Kreh syndrome; CHARGE ASSOCIATION--COLOBOMA, HEART ANOMALY, CHOANAL ATRESIA, RETARDATION, GENITAL AND EAR ANOMALIES; Coloboma, heart anomaly, choanal atresia, retardation, genital and ear anomalies; CHARGE association; Hall-Hittner syndrome. Identifiers: Orphanet 138, MedGen C0265354, MONDO:0008965.

gnomAD v4.1: 1 of 1,599,952 alleles (0.000063%); highest among the groups gnomAD compares: African/African-American, 0.0013%; no homozygotes.

Submissions (2):

Ambry Genetics
Classification: Uncertain significance for Inborn genetic diseases. Last evaluated: 2026-02-26. Review status: criteria provided, single submitter. Criteria: Ambry Variant Classification Scheme 2023. Collection method: clinical testing. Allele origin: germline.

Labcorp Genetics (formerly Invitae), Labcorp
Classification: Uncertain significance for CHARGE syndrome. Last evaluated: 2023-08-16. Review status: criteria provided, single submitter. Criteria: Invitae Variant Classification Sherloc (09022015). Collection method: clinical testing. Allele origin: germline.
Comment: This sequence change replaces asparagine, which is neutral and polar, with serine, which is neutral and polar, at codon 2995 of the CHD7 protein (p.Asn2995Ser). In summary, the available evidence is currently insufficient to determine the role of this variant in disease. Therefore, it has been classified as a Variant of Uncertain Significance. Advanced modeling of protein sequence and biophysical properties (such as structural, functional, and spatial information, amino acid conservation, physicochemical variation, residue mobility, and thermodynamic stability) performed at Invitae indicates that this missense variant is not expected to disrupt CHD7 protein function. This variant has not been reported in the literature in individuals affected with CHD7-related conditions. This variant is not present in population databases (gnomAD no frequency).